The following is an entry in ClinVar:

NM_000064.4(C3):c.544T>C (p.Ser182Pro)

Gene: C3 (complement C3; minus strand). Cytogenetic location: 19p13.3.
Variant type: single nucleotide variant.
Coding change: c.544T>C on transcript NM_000064.4 (MANE Select); coding-DNA position 544, T replaced by C.
Protein change: p.Ser182Pro; replaces serine 182 with proline.
Molecular consequence: missense variant.
Genome position (GRCh38, 1-based): chr19:6,714,407, A>G on the plus strand (T>C on the coding strand, the complement: C3 is on the minus strand). VCF-style: chr19-6714407-A-G. GRCh37 (hg19) VCF-style: chr19-6714418-A-G.
Other names: short protein forms S182P.
Identifiers: ClinVar variation 4280270 (VCV004280270.1).
Genomic context (GRCh38, chr19:6,714,407, plus strand): 5'-CATACTTGACGAGTTCCGGAATGTCCCAAGACAAGGGCAAGACGCCAAGCTGGTTCTGAG[A>G]AGACAAGGAGTCCTGCTTGACCGGGATGCCTTCCGGGTTCTGTGGGAGGCAGGAGGGAAG-3'
Protein context (NP_000055.2, residues 172-192): GIPVKQDSLS[Ser182Pro]QNQLGVLPLS

ClinVar aggregate classification (germline): Uncertain significance (1 of 4 stars; one submission).

Conditions:
Atypical hemolytic-uremic syndrome. Identifiers: Orphanet 2134, MedGen C2931788, MONDO:0016244.

Submission:

Genomenon, Inc
Classification: Uncertain significance for Atypical hemolytic-uremic syndrome. Last evaluated: 2025-09-30. Review status: criteria provided, single submitter. Criteria: Genomenon Sequence Variant Interpretation Standards. Collection method: curation. Allele origin: germline. Affected: yes.
Comment: C3 p.Ser182Pro (c.544T>C) is a missense variant that changes the amino acid at residue 182 from Serine to Proline. This variant has been observed in at least one proband affected with atypical hemolytic-uremic syndrome (PMID:29511899). It is absent or not present at a significant frequency in gnomAD. In conclusion, we classify C3 p.Ser182Pro (c.544T>C) as a variant of unknown significance.

Literature cited by the submitters: PubMed 29511899.